The following is an entry in ClinVar:

NM_005629.4(SLC6A8):c.777+1G>A

Gene: SLC6A8 (solute carrier family 6 member 8; plus strand). Cytogenetic location: Xq28.
Variant type: single nucleotide variant.
Coding change: c.777+1G>A on transcript NM_005629.4 (MANE Select); the canonical splice donor site of the intron after coding-DNA position 777, G replaced by A.
Molecular consequence: splice donor variant.
Genome position (GRCh38, 1-based): chrX:153,692,108, G>A. VCF-style: chrX-153692108-G-A. GRCh37 (hg19) VCF-style: chrX-152957563-G-A.
Other names: c.777+1G>A (NM_001142805.2); c.432+1G>A (NM_001142806.1).
Identifiers: ClinVar variation 4711880 (VCV004711880.1).

ClinVar aggregate classification (germline): Likely pathogenic (1 of 4 stars; one submission).

Conditions:
Creatine transporter deficiency (CCDS1). Also called: CEREBRAL CREATINE DEFICIENCY SYNDROME 1; Creatine Transporter (CRTR) Deficiency; Mental retardation , X-linked with seizures, short stature and midface hypoplasia; Mental retardation , X-linked, with creatine transport deficiency; X-linked creatine transporter deficiency; X-linked creatine deficiency syndrome. Identifiers: Orphanet 52503, MedGen C1845862, MONDO:0010305, OMIM 300352.

Submission:

Labcorp Genetics (formerly Invitae), Labcorp
Classification: Likely pathogenic for Creatine transporter deficiency. Last evaluated: 2025-01-25. Review status: criteria provided, single submitter. Criteria: Invitae Variant Classification Sherloc (09022015). Collection method: clinical testing. Allele origin: germline.
Comment: This sequence change affects a donor splice site in intron 4 of the SLC6A8 gene. It is expected to disrupt RNA splicing. Variants that disrupt the donor or acceptor splice site typically lead to a loss of protein function (PMID: 16199547), and loss-of-function variants in SLC6A8 are known to be pathogenic (PMID: 22281021). This variant is not present in population databases (gnomAD no frequency). This variant has not been reported in the literature in individuals affected with SLC6A8-related conditions. Algorithms developed to predict the effect of sequence changes on RNA splicing suggest that this variant may disrupt the consensus splice site. In summary, the currently available evidence indicates that the variant is pathogenic, but additional data are needed to prove that conclusively. Therefore, this variant has been classified as Likely Pathogenic.

Literature cited by the submitters: PubMed 16199547; PubMed 22281021.